The following is an entry in ClinVar:

ClinVar aggregate classification (germline): Likely pathogenic (1 of 4 stars; one submission).

Submission:

GeneDx
Classification: Likely pathogenic. Last evaluated: 2016-10-20. Review status: criteria provided, single submitter. Criteria: GeneDx Variant Classification (06012015). Collection method: clinical testing. Allele origin: germline. Affected: yes.
Comment: The I278N variant has not been published as a pathogenic variant, nor has it been reported as a benign variant to our knowledge. It was not observed in approximately 6,500 individuals of European and African American ancestry in the NHLBI Exome Sequencing Project, indicating it is not a common benign variant in these populations. The I278N variant is a non-conservative amino acid substitution, which is likely to impact secondary protein structure as these residues differ in polarity, charge, size and/or other properties. This substitution occurs at a conserved position predicted to be within the pore forming loop between the S5 and S6 transmembrane segments, and multiple missense variants in nearby residues have been reported in the Human Gene Mutation Database in association with KCNQ2-related disorders (Stenson et al., 2014), supporting the functional importance of this region of the protein. In silico analysis predicts this variant is probably damaging to the protein structure/function. Therefore, this variant is likely pathogenic; however, the possibility that it is benign cannot be excluded.

NM_172107.4(KCNQ2):c.833T>A (p.Ile278Asn)

Gene: KCNQ2 (potassium voltage-gated channel subfamily Q member 2; minus strand). Cytogenetic location: 20q13.33.
Variant type: single nucleotide variant.
Coding change: c.833T>A on transcript NM_172107.4 (MANE Select); coding-DNA position 833, T replaced by A.
Protein change: p.Ile278Asn; replaces isoleucine 278 with asparagine.
Molecular consequence: missense variant.
Genome position (GRCh38, 1-based): chr20:63,439,692, A>T on the plus strand (T>A on the coding strand, the complement: KCNQ2 is on the minus strand). VCF-style: chr20-63439692-A-T. GRCh37 (hg19) VCF-style: chr20-62071045-A-T.
Other names: c.833T>A, p.Ile278Asn (NM_004518.6, NM_172106.3, NM_172108.5 and 1 more transcripts); short protein forms I278N.
Identifiers: ClinVar variation 390326 (VCV000390326.2), dbSNP rs1057523728, ClinGen allele CA16609051.